The following is an entry in ClinVar:

NM_001126108.2(SLC12A3):c.237_238dup (p.Arg80fs)

Gene: SLC12A3 (solute carrier family 12 member 3; plus strand). Cytogenetic location: 16q13.
Variant type: Duplication.
Coding change: c.237_238dup on transcript NM_001126108.2 (MANE Select); coding-DNA positions 237 to 238, 2 bases duplicated (CC; older notation c.237_238dupCC).
Protein change: p.Arg80fs; shifts the reading frame from arginine 80.
Molecular consequence: frameshift variant.
Genome position (GRCh38, 1-based): chr16:56,865,472-56,865,473, CC duplicated; duplicating any 2 consecutive bases within chr16:56,865,470-56,865,473 gives the same sequence; the c. name uses the placement nearest the transcript's 3' end. VCF-style (leftmost placement, unchanged base first): chr16-56865469-G-GCC. GRCh37 (hg19) VCF-style: chr16-56899381-G-GCC.
Other names: c.237_238dupCC (NM_001126108.2, NM_000339.3, NM_000339.2); c.237_238dup, p.Arg80fs (NM_000339.3, NM_001126107.2); short protein forms R80fs.
Identifiers: ClinVar variation 653276 (VCV000653276.18), dbSNP rs780299444, ClinGen allele CA8068938.

ClinVar aggregate classification (germline): Pathogenic. Review status: criteria provided, multiple submitters, no conflicts (2 of 4 stars). 11 submissions from 11 submitters: Pathogenic (11). Last evaluated 2025-11-05.

Conditions:
SLC12A3-related disorder. Also called: SLC12A3-related condition.
Familial hypokalemia-hypomagnesemia (GTLMNS). Also called: HYPOMAGNESEMIA-HYPOKALEMIA, PRIMARY RENOTUBULAR, WITH HYPOCALCIURIA; POTASSIUM AND MAGNESIUM DEPLETION; gitelman syndrome. Identifiers: Orphanet 358, MedGen C0268450, MONDO:0009904, OMIM 263800.

Submissions (11):

Nephrology, University of Crete, University General Hospital of Heraklion
Classification: Pathogenic for Familial hypokalemia-hypomagnesemia. Last evaluated: 2025-11-05. Review status: criteria provided, single submitter. Criteria: ACMG Guidelines, 2015. Collection method: clinical testing. Allele origin: biparental. Affected: yes.

Labcorp Genetics (formerly Invitae), Labcorp
Classification: Pathogenic. Last evaluated: 2025-09-21. Review status: criteria provided, single submitter. Criteria: Invitae Variant Classification Sherloc (09022015). Collection method: clinical testing. Allele origin: germline.
Comment: This sequence change creates a premature translational stop signal (p.Arg80Profs*35) in the SLC12A3 gene. It is expected to result in an absent or disrupted protein product. Loss-of-function variants in SLC12A3 are known to be pathogenic (PMID: 20848653, 22009145, 25841442). This variant is present in population databases (rs780299444, gnomAD 0.006%). This premature translational stop signal has been observed in individual(s) with Gitelman syndrome (PMID: 8900229). This variant is also known as c.237_238dupCC. ClinVar contains an entry for this variant (Variation ID: 653276). For these reasons, this variant has been classified as Pathogenic.

3billion
Classification: Pathogenic for Familial hypokalemia-hypomagnesemia. Last evaluated: 2025-08-30. Review status: criteria provided, single submitter. Criteria: ACMG Guidelines, 2015. Collection method: clinical testing. Allele origin: germline. Affected: yes.
Comment: The variant is observed at an extremely low frequency in the gnomAD v4.1.0 dataset (total allele frequency: 0.002%). Predicted Consequence/Location: Frameshift: predicted to result in a loss or disruption of normal protein function through nonsense-mediated decay (NMD) or protein truncation. Multiple pathogenic variants are reported downstream of the variant. The variant has been reported at least twice as pathogenic with clinical assertions and evidence for the classification (ClinVar ID: VCV000653276 /PMID: 8900229). Therefore, this variant is classified as Pathogenic according to the recommendation of ACMG/AMP guideline.

Natera, Inc.
Classification: Pathogenic for Gitelman syndrome. Last evaluated: 2025-06-05. Review status: criteria provided, single submitter. Criteria: Natera Variant Classification Schema (03/2026). Collection method: clinical testing. Allele origin: germline.
Comment: The c.237_238dupCC variant in SLC12A3 is a frameshift variant predicted to shift the reading frame beginning at codon 80 and leads to a stop codon 35 codons downstream. This variant is expected to result in nonsense mediated decay, truncation, or a dysfunctional protein product. This variant is rare in the general population with a frequency below the threshold expected for the associated phenotype(s). This variant has been observed in one or more individuals affected with the associated recessive disease, as either homozygous or compound heterozygous with a second variant (PMID: 29398133). Given the available evidence, this variant is classified as Pathogenic.

Molecular Genetics, Royal Melbourne Hospital
Classification: Pathogenic for Familial hypokalemia-hypomagnesemia. Last evaluated: 2024-09-08. Review status: criteria provided, single submitter. Criteria: ACMG Guidelines, 2015. Collection method: clinical testing. Allele origin: germline. Inheritance: Autosomal recessive inheritance. Affected: yes.
Comment: This sequence change in SLC12A3 is a frameshift variant predicted to create a premature stop codon, p.(Arg80Profs*39), in biologically relevant exon 2/26 leading to nonsense-mediated decay in a gene in which loss-of-function is an established disease mechanism (PMID: 20848653). The highest population minor allele frequency in the population database gnomAD v4.1 is 0.03% (2/6,084 alleles) in the Middle Eastern ancestry group, consistent with recessive disease. This variant has been detected as compound heterozygous in multiple individuals with a phenotype consistent with Gitelman syndrome (PMID: 25422309, 35628451, 35368791). Based on the classification scheme RMH Modified ACMG/AMP Guidelines v1.7.0, this variant is classified as PATHOGENIC. Following criteria are met: PM2_Supporting, PM3, PVS1.

Blueprint Genetics
Classification: Pathogenic for SLC12A3-related disorders. Last evaluated: 2024-08-28. Review status: criteria provided, single submitter. Criteria: ACMG Guidelines, 2015. Collection method: clinical testing. Allele origin: germline. Affected: yes. Observed: 5 variant alleles.

Genomic Medicine Center of Excellence, King Faisal Specialist Hospital and Research Centre
Classification: Pathogenic for Familial hypokalemia-hypomagnesemia. Last evaluated: 2024-03-26. Review status: criteria provided, single submitter. Criteria: ACMG Guidelines, 2015. Collection method: clinical testing. Allele origin: germline.

European Hospital Georges Pompidou Genetics Department, Assistance Publique - Hôpitaux de Paris AP-HP
Classification: Pathogenic for Familial hypokalemia-hypomagnesemia. Last evaluated: 2022-04-27. Review status: criteria provided, single submitter. Criteria: ACMG Guidelines, 2015. Collection method: clinical testing. Allele origin: germline. Affected: yes.
Comment: ACMG criteria used:PVS1 PS4 PM1 PM2 PM3 PP5

Fulgent Genetics
Classification: Pathogenic for Familial hypokalemia-hypomagnesemia. Last evaluated: 2022-02-03. Review status: criteria provided, single submitter. Criteria: ACMG Guidelines, 2015. Collection method: clinical testing. Allele origin: unknown.

Victorian Clinical Genetics Services, Murdoch Childrens Research Institute
Classification: Pathogenic for Familial hypokalemia-hypomagnesemia. Last evaluated: 2020-05-01. Review status: criteria provided, single submitter. Criteria: ACMG Guidelines, 2015. Collection method: clinical testing. Allele origin: germline. Inheritance: Autosomal recessive inheritance.
Comment: Based on the classification scheme VCGS_Germline_v1.1.1, this variant is classified as 5-Pathogenic. Following criteria are met: 0102 - Loss-of-function is a known mechanism of disease for this gene. (N) 0106 - This gene is known to be associated with autosomal recessive disease. (N) 0201 - Variant is predicted to cause nonsense-mediated decay (NMD) and loss of protein (exon 1 of 26). (P) 0251 - Variant is heterozygous. (N) 0304 - Variant is present in gnomAD <0.01 for a recessive condition (4 heterozygotes, 0 homozygotes). (P) 0701 - Comparable NMD-predicted variants have very strong previous evidence for pathogenicity (DECIPHER, ClinVar). (P) 0801 - Strong previous evidence of pathogenicity in multiple unrelated individuals with Gitelman syndrome (ClinVar, PMID: 17699451, 25422309, 22009145, 8900229). (P) 0905 - No segregation evidence has been identified for this variant. (N) 1101 - Very strong and specific phenotype match. (P) 1201 - Heterozygous variant detected in trans with a second pathogenic heterozygous variant in a recessive disease. (P) 1208 - Inheritance information for this variant is not currently available. (N) Legend: (P) - Pathogenic, (N) - Neutral, (B) - Benign

Kariminejad - Najmabadi Pathology & Genetics Center
Classification: Pathogenic for Familial hypokalemia-hypomagnesemia. Review status: criteria provided, single submitter. Criteria: ACMG Guidelines, 2015. Collection method: clinical testing. Allele origin: germline. Affected: no.

Literature cited by the submitters: PubMed 20848653 (cited by Labcorp Genetics (formerly Invitae), Labcorp and Molecular Genetics, Royal Melbourne Hospital); PubMed 22009145 (cited by Labcorp Genetics (formerly Invitae), Labcorp and Victorian Clinical Genetics Services, Murdoch Childrens Research Institute); PubMed 25841442 (cited by Labcorp Genetics (formerly Invitae), Labcorp); PubMed 8900229 (cited by 3 submitters); PubMed 29398133 (cited by Natera, Inc.); PubMed 25422309 (cited by Molecular Genetics, Royal Melbourne Hospital and Victorian Clinical Genetics Services, Murdoch Childrens Research Institute); PubMed 35368791 (cited by Molecular Genetics, Royal Melbourne Hospital); PubMed 35628451 (cited by Molecular Genetics, Royal Melbourne Hospital); PubMed 17699451 (cited by Victorian Clinical Genetics Services, Murdoch Childrens Research Institute).